The following is an entry in ClinVar:

ClinVar aggregate classification (germline): Uncertain significance. Review status: criteria provided, multiple submitters, no conflicts (2 of 4 stars). 7 submissions from 3 submitters: Uncertain significance (7). Last evaluated 2026-05-24.

Conditions:
TTN-related disorder. Also called: TTN-related condition; TTN-related disease; TTN-related disorders.
Myopathy, myofibrillar, 9, with early respiratory failure (MFM9). Also called: Hereditary myopathy with early respiratory failure; EDSTROM MYOPATHY; MYOPATHY, PROXIMAL, WITH EARLY RESPIRATORY MUSCLE INVOLVEMENT; Myopathy, distal, with early respiratory failure, autosomal dominant. Identifiers: Orphanet 178464, Orphanet 34521, MedGen C1863599, MONDO:0011362, OMIM 603689.
Early-onset myopathy with fatal cardiomyopathy (CMYO5). Also called: CONGENITAL MYOPATHY 5 WITH CARDIOMYOPATHY; Salih Myopathy. Identifiers: Orphanet 289377, MedGen C2673677, MONDO:0012714, OMIM 611705. Disease mechanism: loss of function.
Tibial muscular dystrophy (TMD). Also called: Udd Distal Myopathy – Tibial Muscular Dystrophy; UDD MYOPATHY; Tibial muscular dystrophy, tardive. Identifiers: Orphanet 609, MedGen C1838244, MONDO:0010870, OMIM 600334.
Dilated cardiomyopathy 1G (CMD1G). Identifiers: Orphanet 154, MedGen C1858763, MONDO:0011400, OMIM 604145.
Autosomal recessive limb-girdle muscular dystrophy type 2J (LGMDR10). Also called: Limb-girdle muscular dystrophy, type 2J; MUSCULAR DYSTROPHY, LIMB-GIRDLE, AUTOSOMAL RECESSIVE 10. Identifiers: Orphanet 140922, MedGen C1837342, MONDO:0012127, OMIM 608807.

Allele frequency attached by ClinVar (database versions not stated): ExAC 0.00001; gnomAD 0.00001; gnomAD exomes 0.00002; TOPMed 0.00002.
gnomAD v4.1: 25 of 1,607,564 alleles (0.0016%); highest among the groups gnomAD compares: Middle Eastern, 0.016%; no homozygotes.

Submissions (7):

PreventionGenetics, part of Exact Sciences
Classification: Uncertain significance for TTN-related condition. Last evaluated: 2026-05-24. Review status: criteria provided, single submitter. Criteria: ACMG Guidelines, 2015. Collection method: clinical testing. Allele origin: germline.
Comment: The TTN c.96931A>G variant is predicted to result in the amino acid substitution p.Met32311Val. To our knowledge, this variant has not been reported in the literature. This variant is reported in 0.0029% of alleles in individuals of Latino descent in gnomAD. At this time, the clinical significance of this variant is uncertain due to the absence of conclusive functional and genetic evidence.

Illumina Laboratory Services, Illumina
Classification: Uncertain significance for Tibial muscular dystrophy. Last evaluated: 2018-01-12. Review status: criteria provided, single submitter. Criteria: ICSL Variant Classification Criteria 13 December 2019. Collection method: clinical testing. Allele origin: germline.

Illumina Laboratory Services, Illumina
Classification: Uncertain significance for Dilated cardiomyopathy 1G. Last evaluated: 2018-01-12. Review status: criteria provided, single submitter. Criteria: ICSL Variant Classification Criteria 13 December 2019. Collection method: clinical testing. Allele origin: germline.

Illumina Laboratory Services, Illumina
Classification: Uncertain significance for Myopathy, myofibrillar, 9, with early respiratory failure. Last evaluated: 2018-01-12. Review status: criteria provided, single submitter. Criteria: ICSL Variant Classification Criteria 13 December 2019. Collection method: clinical testing. Allele origin: germline.

Illumina Laboratory Services, Illumina
Classification: Uncertain significance for Early-onset myopathy with fatal cardiomyopathy. Last evaluated: 2018-01-12. Review status: criteria provided, single submitter. Criteria: ICSL Variant Classification Criteria 13 December 2019. Collection method: clinical testing. Allele origin: germline.

Illumina Laboratory Services, Illumina
Classification: Uncertain significance for Autosomal recessive limb-girdle muscular dystrophy type 2J. Last evaluated: 2018-01-12. Review status: criteria provided, single submitter. Criteria: ICSL Variant Classification Criteria 13 December 2019. Collection method: clinical testing. Allele origin: germline.

Laboratory for Molecular Medicine, Mass General Brigham Personalized Medicine
Classification: Uncertain significance. Last evaluated: 2014-03-19. Review status: criteria provided, single submitter. Criteria: LMM Criteria. Collection method: clinical testing. Allele origin: germline. Observed: 1 variant allele.
Comment: The Met29743Val variant in TTN has not been previously reported in individuals w ith cardiomyopathy or in large population studies. Computational prediction tool s and conservation analyses do not provide strong support for or against an impa ct to the protein. In summary, additional information is needed to fully assess the clinical significance of the Met29743Val variant.

NM_001267550.2(TTN):c.96931A>G (p.Met32311Val)

Genes: TTN-AS1 (TTN antisense RNA 1; plus strand), TTN (titin; minus strand), LOC126806421 (CDK7 strongly-dependent group 2 enhancer GRCh37_chr2:179407630-179408829; plus strand). Cytogenetic location: 2q31.2.
Variant type: single nucleotide variant.
Coding change: c.96931A>G on transcript NM_001267550.2 (MANE Select); coding-DNA position 96931, A replaced by G.
Protein change: p.Met32311Val; replaces methionine 32311 with valine.
Molecular consequence: missense variant.
Genome position (GRCh38, 1-based): chr2:178,542,923, T>C on the plus strand (A>G on the coding strand, the complement: TTN is on the minus strand). VCF-style: chr2-178542923-T-C. GRCh37 (hg19) VCF-style: chr2-179407650-T-C.
Other names: c.92008A>G, p.Met30670Val (NM_001256850.1); c.69736A>G, p.Met23246Val (NM_003319.4); c.70111A>G, p.Met23371Val (NM_133432.3); c.70312A>G, p.Met23438Val (NM_133437.4); c.89227A>G, p.Met29743Val (NM_133378.4); short protein forms M29743V, M32311V, M23246V, M23438V, M23371V, M30670V.
Identifiers: ClinVar variation 179601 (VCV000179601.10), dbSNP rs727504981, ClinGen allele CA184758.